The following is an entry in ClinVar:

ClinVar aggregate classification (germline): Pathogenic. Review status: reviewed by expert panel (3 of 4 stars). 3 submissions from 3 submitters: Pathogenic (1). 2 of the submissions do not count toward it. Last evaluated 2024-02-02.

Conditions:
Hereditary factor VIII deficiency disease (HEMA). Also called: HEMOPHILIA, CLASSIC; AUTOSOMAL HEMOPHILIA A; Hemophilia A; Hemophilia A, congenital; HEM A; Factor 8 deficiency, congenital. Identifiers: Orphanet 98878, MedGen C0019069, MONDO:0010602, OMIM 306700.

Allele frequency attached by ClinVar (database versions not stated): gnomAD exomes below 0.00001.
gnomAD v4.1: 2 of 1,210,441 alleles (0.00017%); highest among the groups gnomAD compares: Non-Finnish European, 0.00022%; no homozygotes.

Submissions (3):

ClinGen Coagulation Factor Deficiency Variant Curation Expert Panel, Clingen
Classification: Pathogenic for Hereditary factor VIII deficiency disease. Last evaluated: 2024-02-02. Review status: reviewed by expert panel. Criteria: ClinGen CoagFactor ACMG Specifications F8 V1.0.0. Collection method: curation. Allele origin: germline. Inheritance: X-linked inheritance.
Comment: The c.1372C>T (p.Arg458Cys) variant is absent from males in population databases (gnomAD v2.1.1/gnomAD v3) meeting PM2_Supporting. This missense variant has a REVEL score of 0.839 (>0.6), meeting criteria for PP3. At least 8 mild hemophilia A patients meeting F8-phenotype criteria are reported in the literature (PMID: 25628142, PMID: 18387975, PMID: 16173970, PMID: 17610549) and internal VCEP data. This variant was noted to segregate in a maternal uncle and nephew pair with hemophilia A (PMID: 25628142), which meets criteria for PP1. Additionally, this variant has been associated with a history of an inhibitor in at least one individual (PMID: 17610549). In summary, this variant meets criteria to be classified as pathogenic. ACMG/AMP criteria applied, as specified by the Coagulation Factor Deficiency Variant Curation Expert Panel for F8/F9: PS4_Very strong, PP1, PP3, PM2_Supporting.

Women's Health and Genetics/Laboratory Corporation of America, LabCorp
Classification: Pathogenic for Hereditary factor VIII deficiency disease. Last evaluated: 2025-05-28. Review status: criteria provided, single submitter. Criteria: LabCorp Variant Classification Summary - May 2015. Collection method: clinical testing. Allele origin: germline. Not counted in ClinVar's aggregate classification.
Comment: Variant summary: F8 c.1372C>T (p.Arg458Cys) results in a non-conservative amino acid change in the encoded protein sequence. Algorithms developed to predict the effect of missense changes on protein structure and function are either unavailable or do not agree on the potential impact of this missense change. The variant was absent in 182853 control chromosomes. c.1372C>T has been observed in multiple individuals affected with mild Factor VIII Deficiency (Hemophilia A) (Boekhorst_2005, Santacroce_2015, Margaglione_2008, Eckhardt_2013, Salviato_2007, Azadmehr_2021, Perez-Rodriguez_2021). These data indicate that the variant is very likely to be associated with disease. To our knowledge, no experimental evidence demonstrating an impact on protein function has been reported. The following publications have been ascertained in the context of this evaluation (PMID: 35014236, 16173970, 23926300, 18387975, 34494337, 17610549, 25628142). ClinVar contains an entry for this variant (Variation ID: 2775446). Based on the evidence outlined above, the variant was classified as pathogenic.

Myriad Genetics, Inc.
Classification: Likely pathogenic for Hereditary factor VIII deficiency disease. Last evaluated: 2025-02-03. Review status: criteria provided, single submitter. Criteria: Myriad Autosomal Dominant, Autosomal Recessive and X-Linked Classification Criteria (2023). Collection method: clinical testing. Allele origin: unknown. Not counted in ClinVar's aggregate classification.
Comment: NM_000132.3(F8):c.1372C>T(R458C) is a missense variant classified as likely pathogenic in the context of hemophilia A. R458C has been observed in cases with relevant disease (PMID: 16173970, 18387975, 27734074, 35014236). Relevant functional assessments of this variant are not available in the literature. R458C has not been observed in referenced population frequency databases. In summary, NM_000132.3(F8):c.1372C>T(R458C) is a missense variant that has been observed more frequently in cases with the relevant disease than in healthy populations. Please note: this variant was assessed in the context of healthy population screening.

Literature cited by the submitters: PubMed 34494337 (cited by Women's Health and Genetics/Laboratory Corporation of America, LabCorp); PubMed 23926300 (cited by Women's Health and Genetics/Laboratory Corporation of America, LabCorp); PubMed 35014236 (cited by Women's Health and Genetics/Laboratory Corporation of America, LabCorp and Myriad Genetics, Inc.); PubMed 25628142 (cited by Women's Health and Genetics/Laboratory Corporation of America, LabCorp); PubMed 16173970 (cited by Women's Health and Genetics/Laboratory Corporation of America, LabCorp and Myriad Genetics, Inc.); PubMed 18387975 (cited by Women's Health and Genetics/Laboratory Corporation of America, LabCorp and Myriad Genetics, Inc.); PubMed 17610549 (cited by Women's Health and Genetics/Laboratory Corporation of America, LabCorp); PubMed 27734074 (cited by Myriad Genetics, Inc.).

NM_000132.4(F8):c.1372C>T (p.Arg458Cys)

Gene: F8 (coagulation factor VIII; minus strand). Cytogenetic location: Xq28.
Variant type: single nucleotide variant.
Coding change: c.1372C>T on transcript NM_000132.4 (MANE Select); coding-DNA position 1372, C replaced by T.
Protein change: p.Arg458Cys; replaces arginine 458 with cysteine.
Molecular consequence: missense variant.
Genome position (GRCh38, 1-based): chrX:154,966,041, G>A on the plus strand (C>T on the coding strand, the complement: F8 is on the minus strand). VCF-style: chrX-154966041-G-A. GRCh37 (hg19) VCF-style: chrX-154194316-G-A.
Other names: NM_000132.4:c.1372C>T; short protein forms R458C.
Identifiers: ClinVar variation 2775446 (VCV002775446.4), dbSNP rs2523950289, ClinGen allele CA414914682.